The following is an entry in ClinVar:

ClinVar aggregate classification (germline): Conflicting classifications of pathogenicity. Review status: criteria provided, conflicting classifications (1 of 4 stars). 6 submissions from 6 submitters: Uncertain significance (5); Likely benign (1). Last evaluated 2025-07-31.

Conditions:
Hereditary cancer-predisposing syndrome. Also called: Hereditary Cancer Syndrome; Neoplastic Syndromes, Hereditary; Hereditary neoplastic syndrome; Tumor predisposition. Identifiers: Orphanet 140162, MedGen C0027672, MeSH D009386, MONDO:0015356.
Hereditary breast ovarian cancer syndrome. Also called: Hereditary breast and ovarian cancer syndrome (HBOC); Breast and ovarian cancer; Hereditary breast and ovarian cancer syndrome; Hereditary breast and ovarian cancer; BRCA1- and BRCA2-Associated Hereditary Breast and Ovarian Cancer; Hereditary breast and/or ovarian cancer syndrome. Identifiers: Orphanet 145, MedGen C0677776, MeSH D061325, MONDO:0003582. Disease mechanism: loss of function.

Allele frequency attached by ClinVar (database versions not stated): gnomAD exomes below 0.00001; ExAC 0.00001; gnomAD 0.00001 and 0.00002; TOPMed 0.00002; 1000 Genomes Project 30x 0.00016; 1000 Genomes Project 0.00020.
gnomAD v4.1: 4 of 1,613,604 alleles (0.00025%); highest among the groups gnomAD compares: African/African-American, 0.004%; no homozygotes.

Submissions (7):

Labcorp Genetics (formerly Invitae), Labcorp
Classification: Uncertain significance for Hereditary breast ovarian cancer syndrome. Last evaluated: 2025-07-31. Review status: criteria provided, single submitter. Criteria: Invitae Variant Classification Sherloc (09022015). Collection method: clinical testing. Allele origin: germline.
Comment: This sequence change replaces valine, which is neutral and non-polar, with isoleucine, which is neutral and non-polar, at codon 8 of the BRCA1 protein (p.Val8Ile). This variant is present in population databases (rs528902306, gnomAD 0.004%). This missense change has been observed in individual(s) with breast cancer (PMID: 25186627; internal data). ClinVar contains an entry for this variant (Variation ID: 243118). Invitae Evidence Modeling incorporating data from in vitro experimental studies (PMID: 30209399) indicates that this missense variant is not expected to disrupt BRCA1 function with a negative predictive value of 95%. Experimental studies have shown that this missense change does not substantially affect BRCA1 function (PMID: 30209399). In summary, the available evidence is currently insufficient to determine the role of this variant in disease. Therefore, it has been classified as a Variant of Uncertain Significance.

GeneDx
Classification: Uncertain significance. Last evaluated: 2025-05-01. Review status: criteria provided, single submitter. Criteria: GeneDx Variant Classification Process June 2021. Collection method: clinical testing. Allele origin: germline. Affected: yes.
Comment: Published functional studies demonstrate no damaging effect: variant classified as functional based on a saturation genome editing (SGE) assay measuring cell survival (PMID: 30209399); In silico analysis suggests that this missense variant does not alter protein structure/function; Not observed at significant frequency in large population cohorts (gnomAD); Also known as 141G>A; This variant is associated with the following publications: (PMID: 32377563, 33471991, 25186627, 30209399, 24389207, 20104584)

Women's Health and Genetics/Laboratory Corporation of America, LabCorp
Classification: Uncertain significance. Last evaluated: 2025-03-24. Review status: criteria provided, single submitter. Criteria: LabCorp Variant Classification Summary - May 2015. Collection method: clinical testing. Allele origin: germline.
Comment: Variant summary: BRCA1 c.22G>A (p.Val8Ile) results in a conservative amino acid change in the encoded protein sequence. Five of five in-silico tools predict a benign effect of the variant on protein function. The frequency data for this variant in gnomAD is considered unreliable, as metrics indicate poor data quality at this position. c.22G>A has been reported in the literature in individuals affected with breast cancer without evidence of cosegregation with disease (Tung_2015, Dorling_2021). These reports do not provide unequivocal conclusions about association of the variant with Hereditary Breast And Ovarian Cancer Syndrome. At least one publication reports experimental evidence evaluating an impact on protein function. These results showed no damaging effect of this variant (Findlay_2018). The following publications have been ascertained in the context of this evaluation (PMID: 25186627, 30209399, 33471991). ClinVar contains an entry for this variant (Variation ID: 243118). Based on the evidence outlined above, the variant was classified as uncertain significance.

Color Diagnostics, LLC DBA Color Health
Classification: Uncertain significance for Hereditary cancer-predisposing syndrome. Last evaluated: 2024-10-21. Review status: criteria provided, single submitter. Criteria: ACMG Guidelines, 2015. Collection method: clinical testing. Allele origin: germline.
Comment: This missense variant replaces valine with isoleucine at codon 8 of the BRCA1 protein. Computational prediction suggests that this variant may not impact protein structure and function. Functional studies have reported that this variant does not impact BRCA1 function in a haploid cell proliferation assay and in BARD1 binding assays (PMID: 25823446, 33471991, 35659930). This variant has been detected in a breast cancer case-control meta-analysis in 2/60466 cases and 1/53461 unaffected individuals (PMID: 33471991; Leiden Open Variation Database DB-ID BRCA1_006598), and it has been reported in an individual affected with breast cancer (PMID: 25186627). This variant has been identified in 1/31396 chromosomes in the general population by the Genome Aggregation Database (gnomAD). The available evidence is insufficient to determine the role of this variant in disease conclusively. Therefore, this variant is classified as a Variant of Uncertain Significance.

Quest Diagnostics Nichols Institute San Juan Capistrano
Classification: Uncertain significance. Last evaluated: 2023-11-13. Review status: criteria provided, single submitter. Criteria: Quest Diagnostics criteria. Collection method: clinical testing. Allele origin: unknown.
Comment: The BRCA1 c.22G>A (p.Val8Ile) variant has been reported in the published literature in individuals with breast cancer (PMID: 25186627 (2015), 33471991 (2021), see also LOVD), as well as an unaffected individual (PMID: 33471991 (2021), see also LOVD). One study showed this variant apparently retained functional activity in a large-scale study using a haploid cell line (PMID: 30209399 (2018)). The frequency of this variant in the general population, 0.0000035 (1/282474 chromosomes (Genome Aggregation Database)), is uninformative in the assessment of its pathogenicity. Analysis of this variant using bioinformatics tools for the prediction of the effect of amino acid changes on protein structure and function yielded predictions that this variant is benign. Based on the available information, we are unable to determine the clinical significance of this variant.

Ambry Genetics
Classification: Likely benign for Hereditary cancer-predisposing syndrome. Last evaluated: 2018-10-31. Review status: criteria provided, single submitter. Criteria: Ambry Variant Classification Scheme 2023. Collection method: clinical testing. Allele origin: germline.

Brotman Baty Institute, University of Washington
No classification provided (evidence only). Condition: Breast-ovarian cancer, familial 1. Review status: no classification provided. Collection method: in vitro. Allele origin: not applicable. Functional consequence: functionally_normal. Not counted in ClinVar's aggregate classification.
ClinVar note: "not provided" was previously submitted as the classification for the variant. However, the classification appeared to be based only on an observation of functional data so it was converted to no classification on 2025-07-30.

Literature cited by the submitters: PubMed 25186627 (cited by 4 submitters); PubMed 30209399 (cited by 3 submitters); PubMed 33471991 (cited by 3 submitters); PubMed 25823446 (cited by Color Diagnostics, LLC DBA Color Health); PubMed 35659930 (cited by Color Diagnostics, LLC DBA Color Health).

NM_007294.4(BRCA1):c.22G>A (p.Val8Ile)

Gene: BRCA1 (BRCA1 DNA repair associated; minus strand). Cytogenetic location: 17q21.31.
Variant type: single nucleotide variant.
Coding change: c.22G>A on transcript NM_007294.4 (MANE Select); coding-DNA position 22, G replaced by A.
Protein change: p.Val8Ile; replaces valine 8 with isoleucine.
Molecular consequence: missense variant. On other transcripts: 5 prime UTR variant (1), non-coding transcript variant (1).
Genome position (GRCh38, 1-based): chr17:43,124,075, C>T on the plus strand (G>A on the coding strand, the complement: BRCA1 is on the minus strand). VCF-style: chr17-43124075-C-T. GRCh37 (hg19) VCF-style: chr17-41276092-C-T.
Other names: c.22G>A, p.Val8Ile (NM_001407990.1, NM_001407991.1, NM_001407992.1 and 193 more transcripts); c.-239G>A (NM_001408410.1, NM_001408452.1, NM_001408462.1 and 22 more transcripts); c.-66G>A (NM_001408454.1, NM_001408459.1, NM_001408460.1 and 23 more transcripts); c.-236G>A (NM_001408455.1, NM_001408456.1, NM_001408468.1 and 11 more transcripts); c.-240G>A (NM_001408465.1, NM_001407695.1); c.-167G>A (NM_001408478.1, NM_001408479.1, NM_001408480.1 and 46 more transcripts); c.-312G>A (NM_001408482.1); c.-283G>A (NM_001408492.1, NM_001407889.1); and 8 more; short protein forms V8I.
Identifiers: ClinVar variation 243118 (VCV000243118.26), dbSNP rs528902306, ClinGen allele CA055451.
Genomic context (GRCh38, chr17:43,124,075, plus strand): 5'-ACCAGATGGGACACTCTAAGATTTTCTGCATAGCATTAATGACATTTTGTACTTCTTCAA[C>T]GCGAAGAGCAGATAAATCCATTTCTTTCTGTTCCAATGAACTTTAACACATTAGAAAAAC-3'
Protein context (NP_009225.1, residues 1-18): MDLSALR[Val8Ile]EEVQNVINAM